The following is an entry in ClinVar:

NM_001184880.2(PCDH19):c.1018A>C (p.Asn340His)

Gene: PCDH19 (protocadherin 19; minus strand). Cytogenetic location: Xq22.1.
Variant type: single nucleotide variant.
Coding change: c.1018A>C on transcript NM_001184880.2 (MANE Select); coding-DNA position 1018, A replaced by C.
Protein change: p.Asn340His; replaces asparagine 340 with histidine.
Molecular consequence: missense variant.
Genome position (GRCh38, 1-based): chrX:100,407,580, T>G on the plus strand (A>C on the coding strand, the complement: PCDH19 is on the minus strand). VCF-style: chrX-100407580-T-G. GRCh37 (hg19) VCF-style: chrX-99662578-T-G.
Other names: c.1018A>C, p.Asn340His (NM_001105243.2, NM_020766.3); short protein forms N340H.
Identifiers: ClinVar variation 2684287 (VCV002684287.1), dbSNP rs1555985368, ClinGen allele CA414004725.
Genomic context (GRCh38, chrX:100,407,580, plus strand): 5'-CGCTGACCTCCACAAGCTCACTGTTGACTGACAGCAGGTTGATGACCGGCGGATTGTCAT[T>G]GGTGTCCAGCACGCTGACGGTGACCTTGCAGTGTGCCGGGATGGAATTGGGCCCCAAGTC-3'
Protein context (NP_001171809.1, residues 330-350): CKVTVSVLDT[Asn340His]DNPPVINLLS

ClinVar aggregate classification (germline): Uncertain significance (1 of 4 stars; one submission).

Submission:

Athena Diagnostics
Classification: Uncertain significance. Last evaluated: 2023-05-24. Review status: criteria provided, single submitter. Criteria: Athena Diagnostics Criteria. Collection method: clinical testing. Allele origin: unknown.
Comment: Available data are insufficient to determine the clinical significance of the variant at this time. This variant has not been reported in large, multi-ethnic general populations. Computational tools predict that this variant is damaging. At least one other missense variant at this codon is considered to be pathogenic or likely pathogenic, suggesting this variant may also cause disease.